The following is an entry in ClinVar:

ClinVar aggregate classification (germline): Pathogenic. Review status: criteria provided, single submitter (1 of 4 stars). 3 submissions from 3 submitters: Pathogenic (1). 2 of the submissions do not count toward it. Last evaluated 2025-10-21.

Conditions:
Idiopathic and/or familial pulmonary arterial hypertension. Identifiers: Orphanet 422, MedGen C5679820, MONDO:0008347.
Pulmonary arterial hypertension. Identifiers: Orphanet 182090, MedGen C2973725, MeSH D000081029, MONDO:0015924, HP:0002092.
Primary pulmonary hypertension. Also called: Idiopathic pulmonary hypertension. Identifiers: MedGen C0152171.
Pulmonary hypertension, primary, 1 (PPH1). Also called: Pulmonary hypertension, familial primary, 1, with or without HHT. Identifiers: Orphanet 422, MedGen C4552070, MONDO:0024533, OMIM 178600.

Submissions (3):

Labcorp Genetics (formerly Invitae), Labcorp
Classification: Pathogenic for Primary pulmonary hypertension. Last evaluated: 2025-10-21. Review status: criteria provided, single submitter. Criteria: Invitae Variant Classification Sherloc (09022015). Collection method: clinical testing. Allele origin: germline.
Comment: This sequence change affects a donor splice site in intron 6 of the BMPR2 gene. It is expected to disrupt RNA splicing. Variants that disrupt the donor or acceptor splice site typically lead to a loss of protein function (PMID: 16199547), and loss-of-function variants in BMPR2 are known to be pathogenic (PMID: 16429395). This variant is not present in population databases (gnomAD no frequency). Disruption of this splice site has been observed in individuals with pulmonary arterial hypertension (PMID: 20534176, 31727138). ClinVar contains an entry for this variant (Variation ID: 425831). Algorithms developed to predict the effect of sequence changes on RNA splicing suggest that this variant may disrupt the consensus splice site. For these reasons, this variant has been classified as Pathogenic.

Rare Disease Genomics Group, St George's University of London
Classification: Pathogenic for Primary pulmonary hypertension. Review status: no assertion criteria provided. Collection method: literature only. Allele origin: germline. Affected: yes. Not counted in ClinVar's aggregate classification.

Wendy Chung Laboratory, Boston Children's Hospital
No classification provided. Condition: Idiopathic and/or familial pulmonary arterial hypertension. Review status: no classification provided. Collection method: literature only. Allele origin: germline. Affected: yes. Observed: 2 variant alleles. Not counted in ClinVar's aggregate classification.

Literature cited by the submitters: PubMed 16199547 (cited by Labcorp Genetics (formerly Invitae), Labcorp); PubMed 16429395 (cited by Labcorp Genetics (formerly Invitae), Labcorp); PubMed 20534176 (cited by Labcorp Genetics (formerly Invitae), Labcorp and Rare Disease Genomics Group, St George's University of London); PubMed 31727138 (cited by Labcorp Genetics (formerly Invitae), Labcorp and Wendy Chung Laboratory, Boston Children's Hospital).

NM_001204.7(BMPR2):c.852+1G>A

Gene: BMPR2 (bone morphogenetic protein receptor type 2; plus strand). Cytogenetic location: 2q33.2.
Variant type: single nucleotide variant.
Coding change: c.852+1G>A on transcript NM_001204.7 (MANE Select); the canonical splice donor site of the intron after coding-DNA position 852, G replaced by A.
Molecular consequence: splice donor variant.
Genome position (GRCh38, 1-based): chr2:202,519,053, G>A. VCF-style: chr2-202519053-G-A. GRCh37 (hg19) VCF-style: chr2-203383776-G-A.
Identifiers: ClinVar variation 425831 (VCV000425831.5), dbSNP rs1085307266, ClinGen allele CA350340660.